The following is an entry in ClinVar:

NM_001022.4(RPS19):c.58G>T (p.Ala20Ser)

Genes: RPS19 (ribosomal protein S19; plus strand), RPS19-CD79A (RPS19-CD79A readthrough; plus strand). Cytogenetic location: 19q13.2.
Variant type: single nucleotide variant.
Coding change: c.58G>T on transcript NM_001022.4 (MANE Select); coding-DNA position 58, G replaced by T.
Protein change: p.Ala20Ser; replaces alanine 20 with serine.
Molecular consequence: missense variant.
Genome position (GRCh38, 1-based): chr19:41,860,832, G>T. VCF-style: chr19-41860832-G-T. GRCh37 (hg19) VCF-style: chr19-42364902-G-T.
Other names: c.58G>T, p.Ala20Ser (NM_001321483.2, NM_001321484.2, NM_001321485.2); short protein forms A20S.
Identifiers: ClinVar variation 3671002 (VCV003671002.2).

ClinVar aggregate classification (germline): Uncertain significance (1 of 4 stars; one submission).

Conditions:
Diamond-Blackfan anemia. Also called: Blackfan Diamond syndrome; Aregenerative anemia chronic congenital; Red cell aplasia, pure hereditary; Congenital hypoplastic anemia; Aase syndrome. Identifiers: Orphanet 124, MedGen C1260899, MeSH D029503, MONDO:0015253, HP:0004810.

Submission:

Labcorp Genetics (formerly Invitae), Labcorp
Classification: Uncertain significance for Diamond-Blackfan anemia. Last evaluated: 2024-05-08. Review status: criteria provided, single submitter. Criteria: Invitae Variant Classification Sherloc (09022015). Collection method: clinical testing. Allele origin: germline.
Comment: This sequence change replaces alanine, which is neutral and non-polar, with serine, which is neutral and polar, at codon 20 of the RPS19 protein (p.Ala20Ser). This variant is not present in population databases (gnomAD no frequency). This variant has not been reported in the literature in individuals affected with RPS19-related conditions. An algorithm developed to predict the effect of missense changes on protein structure and function (PolyPhen-2) suggests that this variant is likely to be tolerated. In summary, the available evidence is currently insufficient to determine the role of this variant in disease. Therefore, it has been classified as a Variant of Uncertain Significance.